The following is an entry in ClinVar:

NM_002485.5(NBN):c.320G>A (p.Arg107Lys)

Gene: NBN (nibrin; minus strand). Cytogenetic location: 8q21.3.
Variant type: single nucleotide variant.
Coding change: c.320G>A on transcript NM_002485.5 (MANE Select); coding-DNA position 320, G replaced by A.
Protein change: p.Arg107Lys; replaces arginine 107 with lysine.
Molecular consequence: missense variant.
Genome position (GRCh38, 1-based): chr8:89,981,375, C>T on the plus strand (G>A on the coding strand, the complement: NBN is on the minus strand). VCF-style: chr8-89981375-C-T. GRCh37 (hg19) VCF-style: chr8-90993603-C-T.
Other names: c.74G>A, p.Arg25Lys (NM_001024688.3); short protein forms R107K, R25K.
Identifiers: ClinVar variation 823200 (VCV000823200.13), dbSNP rs1345924774, ClinGen allele CA371662246.

ClinVar aggregate classification (germline): Conflicting classifications of pathogenicity. Review status: criteria provided, conflicting classifications (1 of 4 stars). 3 submissions from 3 submitters: Pathogenic (1); Uncertain significance (2). Last evaluated 2022-05-14.

Conditions:
Hereditary cancer-predisposing syndrome. Also called: Hereditary Cancer Syndrome; Neoplastic Syndromes, Hereditary; Hereditary neoplastic syndrome; Tumor predisposition. Identifiers: Orphanet 140162, MedGen C0027672, MeSH D009386, MONDO:0015356.
Microcephaly, normal intelligence and immunodeficiency (NBS). Also called: Nijmegen breakage syndrome; Microcephaly with normal intelligence immunodeficiency and lymphoreticular malignancies; Nonsyndromal microcephaly autosomal recessive with normal intelligence; Seemanova syndrome 2; Immunodeficiency, microcephaly with normal intelligence; Ataxia telangiectasia variant V1. Identifiers: Orphanet 647, MedGen C0398791, MONDO:0009623, OMIM 251260.

Allele frequency attached by ClinVar (database versions not stated): gnomAD exomes below 0.00001.
gnomAD v4.1: 4 of 1,613,602 alleles (0.00025%); highest among the groups gnomAD compares: South Asian, 0.0011%; no homozygotes.

Submissions (3):

Labcorp Genetics (formerly Invitae), Labcorp
Classification: Uncertain significance for Microcephaly, normal intelligence and immunodeficiency. Last evaluated: 2022-05-14. Review status: criteria provided, single submitter. Criteria: Invitae Variant Classification Sherloc (09022015). Collection method: clinical testing. Allele origin: germline.
Comment: This sequence change replaces arginine, which is basic and polar, with lysine, which is basic and polar, at codon 107 of the NBN protein (p.Arg107Lys). This variant also falls at the last nucleotide of exon 3, which is part of the consensus splice site for this exon. This variant is present in population databases (no rsID available, gnomAD 0.003%). This variant has not been reported in the literature in individuals affected with NBN-related conditions. ClinVar contains an entry for this variant (Variation ID: 823200). Algorithms developed to predict the effect of missense changes on protein structure and function output the following: SIFT: "Tolerated"; PolyPhen-2: "Benign"; Align-GVGD: "Class C0". The lysine amino acid residue is found in multiple mammalian species, which suggests that this missense change does not adversely affect protein function. Variants that disrupt the consensus splice site are a relatively common cause of aberrant splicing (PMID: 17576681, 9536098). Algorithms developed to predict the effect of sequence changes on RNA splicing suggest that this variant may disrupt the consensus splice site. In summary, the available evidence is currently insufficient to determine the role of this variant in disease. Therefore, it has been classified as a Variant of Uncertain Significance.

Genome-Nilou Lab
Classification: Uncertain significance for Microcephaly, normal intelligence and immunodeficiency. Last evaluated: 2021-11-07. Review status: criteria provided, single submitter. Criteria: ACMG Guidelines, 2015. Collection method: clinical testing. Allele origin: germline. Affected: no.

Ambry Genetics
Classification: Pathogenic for Hereditary cancer-predisposing syndrome. Last evaluated: 2019-04-25. Review status: criteria provided, single submitter. Criteria: Ambry Variant Classification Scheme 2023. Collection method: clinical testing. Allele origin: germline.
Comment: The c.320G>A pathogenic mutation (also known as p.R107K), located in coding exon 3 of the NBN gene, results from a G to A substitution at nucleotide position 320. The amino acid change results in arginine to lysine at codon 107, an amino acid with highly similar properties. RNA studies showed abnormal splicing in the set of samples tested (Ambry internal data). Based on the supporting evidence, this alteration is interpreted as a disease-causing mutation.

Literature cited by the submitters: PubMed 17576681 (cited by Labcorp Genetics (formerly Invitae), Labcorp); PubMed 9536098 (cited by Labcorp Genetics (formerly Invitae), Labcorp).